The following is an entry in ClinVar:

NM_145038.5(DRC1):c.731G>A (p.Trp244Ter)

Gene: DRC1 (dynein regulatory complex subunit 1; plus strand). Cytogenetic location: 2p23.3.
Variant type: single nucleotide variant.
Coding change: c.731G>A on transcript NM_145038.5 (MANE Select); coding-DNA position 731, G replaced by A.
Protein change: p.Trp244Ter; replaces tryptophan 244 with a stop codon.
Molecular consequence: nonsense.
Genome position (GRCh38, 1-based): chr2:26,430,838, G>A. VCF-style: chr2-26430838-G-A. GRCh37 (hg19) VCF-style: chr2-26653706-G-A.
Other names: short protein forms W244*.
Identifiers: ClinVar variation 3767036 (VCV003767036.1).

ClinVar aggregate classification (germline): Likely pathogenic (1 of 4 stars; one submission).

gnomAD v4.1: 4 of 1,614,032 alleles (0.00025%); highest among the groups gnomAD compares: Non-Finnish European, 0.00034%; no homozygotes.

Submission:

ARUP Laboratories, Molecular Genetics and Genomics, ARUP Laboratories
Classification: Likely pathogenic. Last evaluated: 2024-11-30. Review status: criteria provided, single submitter. Criteria: ARUP Molecular Germline Variant Investigation Process 2024. Collection method: clinical testing. Allele origin: germline.
Comment: The DRC1 c.731G>A; p.Trp244Ter variant (rs1167164681) is reported in the literature in an individual affected with primary ciliary dyskinesia, however a second variant was not identified (Xu 2023). This variant is only observed on one allele in the Genome Aggregation Database (v2.1.1), indicating it is not a common polymorphism. This variant induces an early termination codon and is predicted to result in a truncated protein or mRNA subject to nonsense-mediated decay. Additionally, downstream truncating variants have been described in individuals with primary ciliary dyskinesia (Lei 2022, Wirschell 2013). Based on available information, the p.Trp244Ter is considered to be likely pathogenic. References: Lei C et al. DRC1 deficiency caused primary ciliary dyskinesia and MMAF in a Chinese patient. J Hum Genet. 2022 Apr;67(4):197-201. PMID: 34815526. Xu Y et al. Characteristic genetic spectrum of primary ciliary dyskinesia in Japanese patients and global ethnic heterogeneity: population-based genomic variation database analysis. J Hum Genet. 2023 Jul;68(7):455-461. PMID: 36864285. Wirschell M et al. The nexin-dynein regulatory complex subunit DRC1 is essential for motile cilia function in algae and humans. Nat Genet. 2013 Mar;45(3):262-8. PMID: 23354437.